The following is an entry in ClinVar:

ClinVar aggregate classification (germline): Uncertain significance (1 of 4 stars; one submission).

Conditions:
Long QT syndrome (LQTS). Identifiers: MedGen C0023976, MeSH D008133, MONDO:0002442. Disease mechanism: loss of function. Inheritance: Various modes of inheritance.

Submission:

Labcorp Genetics (formerly Invitae), Labcorp
Classification: Uncertain significance for Long QT syndrome. Last evaluated: 2024-06-13. Review status: criteria provided, single submitter. Criteria: Invitae Variant Classification Sherloc (09022015). Collection method: clinical testing. Allele origin: germline.
Comment: This sequence change affects the initiator methionine of the SNTA1 mRNA. The next in-frame methionine is located at codon 110. This variant is not present in population databases (gnomAD no frequency). This variant has not been reported in the literature in individuals affected with SNTA1-related conditions. Experimental studies and prediction algorithms are not available or were not evaluated, and the functional significance of this variant is currently unknown. In summary, the available evidence is currently insufficient to determine the role of this variant in disease. Therefore, it has been classified as a Variant of Uncertain Significance.

NM_003098.3(SNTA1):c.1A>G (p.Met1Val)

Genes: SNTA1 (syntrophin alpha 1; minus strand), LOC130065680 (ATAC-STARR-seq lymphoblastoid silent region 12812; plus strand). Cytogenetic location: 20q11.21.
Variant type: single nucleotide variant.
Coding change: c.1A>G on transcript NM_003098.3 (MANE Select); coding-DNA position 1, A replaced by G.
Protein change: p.Met1Val; changes the start codon (methionine 1).
Molecular consequence: missense variant, initiator codon variant.
Genome position (GRCh38, 1-based): chr20:33,443,620, T>C on the plus strand (A>G on the coding strand, the complement: SNTA1 is on the minus strand). VCF-style: chr20-33443620-T-C. GRCh37 (hg19) VCF-style: chr20-32031426-T-C.
Other names: c.1A>G, p.Met1Val (NM_001424413.1, NM_001424414.1); short protein forms M1V.
Identifiers: ClinVar variation 3618930 (VCV003618930.2).